The following is an entry in ClinVar:

ClinVar aggregate classification (germline): Conflicting classifications of pathogenicity. Review status: criteria provided, conflicting classifications (1 of 4 stars). 2 submissions from 2 submitters: Uncertain significance (1); Likely benign (1). Last evaluated 2023-03-23.

Conditions:
Hereditary cancer-predisposing syndrome. Also called: Tumor predisposition; Neoplastic Syndromes, Hereditary; Hereditary Cancer Syndrome; Hereditary neoplastic syndrome. Identifiers: Orphanet 140162, MedGen C0027672, MeSH D009386, MONDO:0015356.

Submissions (2):

University of Washington Department of Laboratory Medicine, University of Washington
Classification: Likely benign for Hereditary cancer-predisposing syndrome. Last evaluated: 2023-03-23. Review status: criteria provided, single submitter. Criteria: Dines et al. (Genet Med. 2020). Collection method: curation. Allele origin: germline.
Comment: Missense variant in a coldspot region where missense variants are very unlikely to be pathogenic (PMID:31911673).

BRCA1 coldspot (exon 11 using historical exon numbering). Reclassification based on statistical prior probability

Ambry Genetics
Classification: Uncertain significance for Hereditary cancer-predisposing syndrome. Last evaluated: 2022-01-17. Review status: criteria provided, single submitter. Criteria: Ambry Variant Classification Scheme 2023. Collection method: clinical testing. Allele origin: germline.
Comment: The p.S1049C variant (also known as c.3146C>G), located in coding exon 9 of the BRCA1 gene, results from a C to G substitution at nucleotide position 3146. The serine at codon 1049 is replaced by cysteine, an amino acid with dissimilar properties. This amino acid position is conserved. In addition, the in silico prediction for this alteration is inconclusive. Since supporting evidence is limited at this time, the clinical significance of this alteration remains unclear.

NM_007294.4(BRCA1):c.3146C>G (p.Ser1049Cys)

Gene: BRCA1 (BRCA1 DNA repair associated; minus strand). Cytogenetic location: 17q21.31.
Variant type: single nucleotide variant.
Coding change: c.3146C>G on transcript NM_007294.4 (MANE Select); coding-DNA position 3146, C replaced by G.
Protein change: p.Ser1049Cys; replaces serine 1049 with cysteine.
Molecular consequence: missense variant. On other transcripts: intron variant (137).
Genome position (GRCh38, 1-based): chr17:43,092,385, G>C on the plus strand (C>G on the coding strand, the complement: BRCA1 is on the minus strand). VCF-style: chr17-43092385-G-C. GRCh37 (hg19) VCF-style: chr17-41244402-G-C.
Other names: c.452-1353C>G (NM_001408509.1, NM_001408508.1); c.575-1353C>G (NM_001408491.1, NM_001408493.1, NM_001408490.1); c.461-1353C>G (NM_001408506.1, NM_001408507.1); c.578-1353C>G (NM_001408481.1, NM_001408480.1, NM_001408492.1 and 9 more transcripts); c.779-1353C>G (NM_001408408.1); c.662-1353C>G (NM_001408446.1, NM_001408435.1, NM_001408448.1 and 6 more transcripts); c.785-1353C>G (NM_001408401.1, NM_001408396.1, NM_001407985.1 and 13 more transcripts); c.665-1353C>G (NM_001408444.1, NM_001408438.1, NM_001408430.1 and 12 more transcripts); and 41 more; short protein forms S1001C, S1007C, S1048C, S938C, S979C, S981C, S1023C, S1008C.
Identifiers: ClinVar variation 1728128 (VCV001728128.4), dbSNP rs2154340148, ClinGen allele CA10595690.